The following is an entry in ClinVar:

ClinVar aggregate classification (germline): Uncertain significance. Review status: criteria provided, multiple submitters, no conflicts (2 of 4 stars). 2 submissions from 2 submitters: Uncertain significance (2). Last evaluated 2024-08-13.

Conditions:
Beckwith-Wiedemann syndrome (BWS). Also called: EMG SYNDROME; Exomphalos macroglossia gigantism syndrome. Identifiers: Orphanet 116, MedGen C0004903, MONDO:0007534, OMIM 130650.

Allele frequency attached by ClinVar (database versions not stated): ExAC 0.00005.

Submissions (2):

St. Jude Molecular Pathology, St. Jude Children's Research Hospital
Classification: Uncertain significance for Beckwith-Wiedemann syndrome. Last evaluated: 2024-08-13. Review status: criteria provided, single submitter. Criteria: St. Jude Assertion Criteria 2020. Collection method: clinical testing. Allele origin: germline.
Comment: The CDKN1C c.143C>T (p.Ala48Val) missense change has a maximum subpopulation frequency of 0.001% in gnomAD v2.1.1. The in silico tool REVEL predicts a benign effect on protein function, but to our knowledge, this prediction has not been confirmed by functional studies. To our knowledge, this variant has not been reported in individuals with Beckwith-Wiedemann syndrome or IMAGE syndrome. In summary, the evidence currently available is insufficient to determine the clinical significance of this variant. It has therefore been classified as of uncertain significance.

Labcorp Genetics (formerly Invitae), Labcorp
Classification: Uncertain significance for Beckwith-Wiedemann syndrome. Last evaluated: 2023-10-19. Review status: criteria provided, single submitter. Criteria: Invitae Variant Classification Sherloc (09022015). Collection method: clinical testing. Allele origin: germline.
Comment: This sequence change replaces alanine, which is neutral and non-polar, with valine, which is neutral and non-polar, at codon 48 of the CDKN1C protein (p.Ala48Val). The frequency data for this variant in the population databases is considered unreliable, as metrics indicate poor data quality at this position in the gnomAD database. This variant has not been reported in the literature in individuals affected with CDKN1C-related conditions. ClinVar contains an entry for this variant (Variation ID: 404255). Advanced modeling of protein sequence and biophysical properties (such as structural, functional, and spatial information, amino acid conservation, physicochemical variation, residue mobility, and thermodynamic stability) performed at Invitae indicates that this missense variant is not expected to disrupt CDKN1C protein function. In summary, the available evidence is currently insufficient to determine the role of this variant in disease. Therefore, it has been classified as a Variant of Uncertain Significance.

NM_001122630.2(CDKN1C):c.110C>T (p.Ala37Val)

Gene: CDKN1C (cyclin dependent kinase inhibitor 1C; minus strand). Cytogenetic location: 11p15.4.
Variant type: single nucleotide variant.
Coding change: c.110C>T on transcript NM_001122630.2 (MANE Select); coding-DNA position 110, C replaced by T.
Protein change: p.Ala37Val; replaces alanine 37 with valine.
Molecular consequence: missense variant.
Genome position (GRCh38, 1-based): chr11:2,885,347, G>A on the plus strand (C>T on the coding strand, the complement: CDKN1C is on the minus strand). VCF-style: chr11-2885347-G-A. GRCh37 (hg19) VCF-style: chr11-2906577-G-A.
Other names: c.143C>T, p.Ala48Val (NM_000076.2, NM_001362474.2, LRG_533t1); c.110C>T, p.Ala37Val (NM_001122631.2, NM_001362475.2); short protein forms A48V, A37V.
Identifiers: ClinVar variation 404255 (VCV000404255.7), dbSNP rs774548414, ClinGen allele CA5822236.